The following is an entry in ClinVar:

ClinVar aggregate classification (germline): Uncertain significance (1 of 4 stars; one submission).

gnomAD v4.1: 4 of 1,612,270 alleles (0.00025%); highest among the groups gnomAD compares: South Asian, 0.0044%; no homozygotes.

Submission:

Labcorp Genetics (formerly Invitae), Labcorp
Classification: Uncertain significance. Last evaluated: 2025-07-08. Review status: criteria provided, single submitter. Criteria: Invitae Variant Classification Sherloc (09022015). Collection method: clinical testing. Allele origin: germline.
Comment: This sequence change replaces glycine, which is neutral and non-polar, with glutamic acid, which is acidic and polar, at codon 38 of the SIPA1L3 protein (p.Gly38Glu). The frequency data for this variant in the population databases is considered unreliable, as metrics indicate poor data quality at this position in the gnomAD database. This variant has not been reported in the literature in individuals affected with SIPA1L3-related conditions. An algorithm developed to predict the effect of missense changes on protein structure and function (PolyPhen-2) suggests that this variant is likely to be disruptive. In summary, the available evidence is currently insufficient to determine the role of this variant in disease. Therefore, it has been classified as a Variant of Uncertain Significance.

NM_015073.3(SIPA1L3):c.113G>A (p.Gly38Glu)

Gene: SIPA1L3 (signal induced proliferation associated 1 like 3; plus strand). Cytogenetic location: 19q13.13.
Variant type: single nucleotide variant.
Coding change: c.113G>A on transcript NM_015073.3 (MANE Select); coding-DNA position 113, G replaced by A.
Protein change: p.Gly38Glu; replaces glycine 38 with glutamic acid.
Molecular consequence: missense variant.
Genome position (GRCh38, 1-based): chr19:38,081,678, G>A. VCF-style: chr19-38081678-G-A. GRCh37 (hg19) VCF-style: chr19-38572318-G-A.
Other names: short protein forms G38E.
Identifiers: ClinVar variation 4775583 (VCV004775583.1).